The following is an entry in ClinVar:

ClinVar aggregate classification (germline): Benign (1 of 4 stars; one submission).

Conditions:
Platelet-type bleeding disorder 9 (BDPLT9). Also called: GLYCOPROTEIN Ia DEFICIENCY; GP Ia DEFICIENCY; COLLAGEN PLATELET RECEPTOR DEFICIENCY. Identifiers: Orphanet 73271, Orphanet 98886, MedGen C3280114, MONDO:0013622, OMIM 614200.

Allele frequency attached by ClinVar (database versions not stated): TOPMed 0.00003; 1000 Genomes Project 30x 0.00062; 1000 Genomes Project 0.00080.

Submission:

Illumina Laboratory Services, Illumina
Classification: Benign for Platelet-type bleeding disorder 9. Last evaluated: 2018-01-13. Review status: criteria provided, single submitter. Criteria: ICSL Variant Classification Criteria 13 December 2019. Collection method: clinical testing. Allele origin: germline.
Comment: This variant was observed in the ICSL laboratory as part of a predisposition screen in an ostensibly healthy population. It had not been previously curated by ICSL or reported in the Human Gene Mutation Database (HGMD: prior to June 1st, 2018), and was therefore a candidate for classification through an automated scoring system. Utilizing variant allele frequency, disease prevalence and penetrance estimates, and inheritance mode, an automated score was calculated to assess if this variant is too frequent to cause the disease. Based on the score and internal cut-off values, a variant classified as benign is not then subjected to further curation. The score for this variant resulted in a classification of benign for this disease.

NM_002203.4(ITGA2):c.*2723G>C

Gene: ITGA2 (integrin subunit alpha 2; plus strand). Cytogenetic location: 5q11.2.
Variant type: single nucleotide variant.
Coding change: c.*2723G>C on transcript NM_002203.4 (MANE Select); 2723 bases downstream of the stop codon, G replaced by C.
Molecular consequence: 3 prime UTR variant. On other transcripts: non-coding transcript variant (5).
Genome position (GRCh38, 1-based): chr5:53,093,322, G>C. VCF-style: chr5-53093322-G-C. GRCh37 (hg19) VCF-style: chr5-52389152-G-C.
Identifiers: ClinVar variation 353834 (VCV000353834.5), dbSNP rs145580223, ClinGen allele CA10624707.